The following is an entry in ClinVar:

ClinVar aggregate classification (germline): Uncertain significance (1 of 4 stars; one submission).

Submission:

GeneDx
Classification: Uncertain significance. Last evaluated: 2026-03-03. Review status: criteria provided, single submitter. Criteria: GeneDx Variant Classification Process June 2021. Collection method: clinical testing. Allele origin: germline.
Comment: Not observed at significant frequency in large population cohorts (gnomAD); In silico analysis supports that this missense variant has a deleterious effect on protein structure/function; Has not been previously published as pathogenic or benign to our knowledge

NM_138711.6(PPARG):c.503G>A (p.Cys168Tyr)

Gene: PPARG (peroxisome proliferator activated receptor gamma; plus strand). Cytogenetic location: 3p25.2.
Variant type: single nucleotide variant.
Coding change: c.503G>A on transcript NM_138711.6 (MANE Select); coding-DNA position 503, G replaced by A.
Protein change: p.Cys168Tyr; replaces cysteine 168 with tyrosine.
Molecular consequence: missense variant.
Genome position (GRCh38, 1-based): chr3:12,392,726, G>A. VCF-style: chr3-12392726-G-A. GRCh37 (hg19) VCF-style: chr3-12434225-G-A.
Other names: c.503G>A, p.Cys168Tyr (NM_001330615.4, NM_001354666.3, NM_001354667.3 and 6 more transcripts); c.593G>A, p.Cys198Tyr (NM_001354668.2, NM_001374265.1, NM_015869.5); c.76G>A, p.Ala26Thr (NM_001354669.2); c.509G>A, p.Cys170Tyr (NM_001354670.2, NM_001374266.1); short protein forms C170Y, C198Y, A26T, C168Y.
Identifiers: ClinVar variation 5009851 (VCV005009851.1).